The following is an entry in ClinVar:

NM_002476.2(MYL4):c.455del (p.Gly152fs)

Gene: MYL4 (myosin light chain 4; plus strand). Cytogenetic location: 17q21.32.
Variant type: Deletion.
Coding change: c.455del on transcript NM_002476.2 (MANE Select); coding-DNA position 455, one base deleted (G; older notation c.455delG).
Protein change: p.Gly152fs; shifts the reading frame from glycine 152.
Molecular consequence: frameshift variant.
Genome position (GRCh38, 1-based): chr17:47,221,823, G deleted; the last of 3 consecutive G bases (chr17:47,221,821-47,221,823); deleting any one gives the same sequence. VCF-style (leftmost placement, unchanged base first): chr17-47221820-TG-T. GRCh37 (hg19) VCF-style: chr17-45299186-TG-T.
Other names: c.455del, p.Gly152fs (NM_001002841.2); short protein forms G152fs.
Identifiers: ClinVar variation 3725515 (VCV003725515.2).

ClinVar aggregate classification (germline): Pathogenic (1 of 4 stars; one submission).

Conditions:
Atrial fibrillation, familial, 18 (ATFB18). Identifiers: MedGen C4310636, MONDO:0015001, OMIM 617280.

Submission:

Labcorp Genetics (formerly Invitae), Labcorp
Classification: Pathogenic for Atrial fibrillation, familial, 18. Last evaluated: 2025-03-26. Review status: criteria provided, single submitter. Criteria: Invitae Variant Classification Sherloc (09022015). Collection method: clinical testing. Allele origin: germline.
Comment: This sequence change creates a premature translational stop signal (p.Gly152Valfs*15) in the MYL4 gene. It is expected to result in an absent or disrupted protein product. Loss-of-function variants in MYL4 are known to be pathogenic (PMID: 25807286, 27742809). This variant is present in population databases (rs771396667, gnomAD 0.0009%). This variant has not been reported in the literature in individuals affected with MYL4-related conditions. For these reasons, this variant has been classified as Pathogenic.

Literature cited by the submitters: PubMed 25807286; PubMed 27742809.